The following is an entry in ClinVar:

NM_000466.3(PEX1):c.3788C>A (p.Pro1263Gln)

Genes: PEX1 (peroxisomal biogenesis factor 1; minus strand), GATAD1 (GATA zinc finger domain containing 1; plus strand). Cytogenetic location: 7q21.2.
Variant type: single nucleotide variant.
Coding change: c.3788C>A on transcript NM_000466.3 (MANE Select); coding-DNA position 3788, C replaced by A.
Protein change: p.Pro1263Gln; replaces proline 1263 with glutamine.
Molecular consequence: missense variant.
Genome position (GRCh38, 1-based): chr7:92,487,521, G>T on the plus strand (C>A on the coding strand, the complement: PEX1 is on the minus strand). VCF-style: chr7-92487521-G-T. GRCh37 (hg19) VCF-style: chr7-92116835-G-T.
Other names: c.3617C>A, p.Pro1206Gln (NM_001282677.2); c.3164C>A, p.Pro1055Gln (NM_001282678.2); short protein forms P1055Q, P1206Q, P1263Q.
Identifiers: ClinVar variation 1714196 (VCV001714196.5), dbSNP rs2484602170, ClinGen allele CA368158555.

ClinVar aggregate classification (germline): Uncertain significance (1 of 4 stars; one submission).

Conditions:
Zellweger spectrum disorders (ZS). Also called: Zellweger syndrome; Zellweger Spectrum Disorder; Zellweger Spectrum; Zellweger Spectrum Disorder (ZSD). Identifiers: Orphanet 912, MedGen C0043459, MONDO:0019609.

Submission:

Labcorp Genetics (formerly Invitae), Labcorp
Classification: Uncertain significance for Zellweger spectrum disorders. Last evaluated: 2025-02-24. Review status: criteria provided, single submitter. Criteria: Invitae Variant Classification Sherloc (09022015). Collection method: clinical testing. Allele origin: germline.
Comment: This sequence change replaces proline, which is neutral and non-polar, with glutamine, which is neutral and polar, at codon 1263 of the PEX1 protein (p.Pro1263Gln). This variant is not present in population databases (gnomAD no frequency). This variant has not been reported in the literature in individuals affected with PEX1-related conditions. ClinVar contains an entry for this variant (Variation ID: 1714196). Invitae Evidence Modeling of protein sequence and biophysical properties (such as structural, functional, and spatial information, amino acid conservation, physicochemical variation, residue mobility, and thermodynamic stability) has been performed for this missense variant. However, the output from this modeling did not meet the statistical confidence thresholds required to predict the impact of this variant on PEX1 protein function. In summary, the available evidence is currently insufficient to determine the role of this variant in disease. Therefore, it has been classified as a Variant of Uncertain Significance.